The following is an entry in ClinVar:

NM_000157.4(GBA1):c.562C>T (p.Leu188Phe)

Genes: GBA1 (glucosylceramidase beta 1; minus strand), LOC106627981 (GBA recombination region; plus strand). Cytogenetic location: 1q22.
Variant type: single nucleotide variant.
Coding change: c.562C>T on transcript NM_000157.4 (MANE Select); coding-DNA position 562, C replaced by T.
Protein change: p.Leu188Phe; replaces leucine 188 with phenylalanine.
Molecular consequence: missense variant.
Genome position (GRCh38, 1-based): chr1:155,238,543, G>A on the plus strand (C>T on the coding strand, the complement: GBA1 is on the minus strand). VCF-style: chr1-155238543-G-A. GRCh37 (hg19) VCF-style: chr1-155208334-G-A.
Other names: c.562C>T, p.Leu188Phe (NM_001005741.3, NM_001005742.3); c.301C>T, p.Leu101Phe (NM_001171811.2); c.415C>T, p.Leu139Phe (NM_001171812.2); short protein forms L101F, L139F, L188F.
Identifiers: ClinVar variation 5037973 (VCV005037973.1).

ClinVar aggregate classification (germline): Uncertain significance (1 of 4 stars; one submission).

Conditions:
Lewy body dementia (DLB). Also called: Lewy Body Disease. Identifiers: MedGen C0752347, MONDO:0007488, OMIM 127750.
Gaucher disease type I (GD1). Also called: GD 1; Gaucher's disease, type 1; ACID BETA-GLUCOSIDASE DEFICIENCY; GAUCHER DISEASE, NONCEREBRAL JUVENILE; GBA DEFICIENCY; GD I. Identifiers: Orphanet 355, Orphanet 77259, MedGen C1961835, MONDO:0009265, OMIM 230800.
Gaucher disease type II (GD2). Also called: Acute neuronopathic Gaucher's disease; GAUCHER DISEASE, ACUTE NEURONOPATHIC TYPE; GD II; Type 2 Gaucher disease (Acute; Infantile). Identifiers: Orphanet 77260, MedGen C0268250, MONDO:0009266, OMIM 230900.
Gaucher disease type III. Also called: Gaucher Disease, Type 3; Subacute neuronopathic Gaucher's disease; GAUCHER DISEASE, CHRONIC NEURONOPATHIC TYPE; GAUCHER DISEASE, JUVENILE AND ADULT, CEREBRAL; GAUCHER DISEASE, SUBACUTE NEURONOPATHIC TYPE; GD III. Identifiers: Orphanet 355, Orphanet 77261, MedGen C0268251, MONDO:0009267, OMIM 231000.
Parkinson disease, late-onset (PD). Also called: PARKINSON DISEASE, LATE-ONSET, SUSCEPTIBILITY TO; Hereditary late onset Parkinson disease; Susceptibility to Parkinson's Disease. Identifiers: Orphanet 411602, MedGen C3160718, MONDO:0008199, OMIM 168600.
Gaucher disease perinatal lethal. Also called: Gaucher disease collodion type; Gaucher Disease, Perinatal-Lethal Form. Identifiers: Orphanet 85212, MedGen C1842704, MONDO:0011945, OMIM 608013.
Gaucher disease-ophthalmoplegia-cardiovascular calcification syndrome. Also called: GAUCHER DISEASE, TYPE IIIC. Identifiers: Orphanet 2072, MedGen C1856476, MONDO:0009268, OMIM 231005.

Submission:

Juno Genomics, Hangzhou Juno Genomics, Inc
Classification: Uncertain significance for Lewy body dementia; Parkinson disease, late-onset; Gaucher disease perinatal lethal; Gaucher disease type I; Gaucher disease type II; Gaucher disease type III; Gaucher disease-ophthalmoplegia-cardiovascular calcification syndrome. Review status: criteria provided, single submitter. Criteria: ACMG Guidelines, 2015. Collection method: clinical testing. Allele origin: germline. Affected: yes.
Comment: Absent from controls (or at extremely low frequency if recessive) in Genome Aggregation Database.;Multiple lines of computational evidence support a deleterious effect on the gene or gene product.;For recessive disorders, detected in trans with a pathogenic variant.;Patient's phenotype or family history is highly specific for a disease with a single genetic etiology.